The following is an entry in ClinVar:

NM_170707.4(LMNA):c.1608+2T>C

Gene: LMNA (lamin A/C; plus strand). Cytogenetic location: 1q22.
Variant type: single nucleotide variant.
Coding change: c.1608+2T>C on transcript NM_170707.4 (MANE Select); the canonical splice donor site of the intron after coding-DNA position 1608, T replaced by C.
Molecular consequence: splice donor variant.
Genome position (GRCh38, 1-based): chr1:156,137,234, T>C. VCF-style: chr1-156137234-T-C. GRCh37 (hg19) VCF-style: chr1-156107025-T-C.
Other names: c.1608+2T>C (NM_170707.2, NM_001406983.1, NM_001282625.2 and 8 more transcripts); c.1050+2T>C (NM_001407002.1, NM_001406993.1, NM_001407003.1 and 4 more transcripts); c.984+2T>C (NM_001406999.1, NM_001407000.1, NM_001406994.1 and 1 more transcripts); c.1365+2T>C (NM_001406986.1, NM_001406987.1, NM_001282624.2); c.1272+2T>C (NM_001406989.1, NM_001257374.3, NM_001406998.1); c.1311+2T>C (NM_001406988.1).
Identifiers: ClinVar variation 4537878 (VCV004537878.4).

ClinVar aggregate classification (germline): Pathogenic/Likely pathogenic. Review status: criteria provided, multiple submitters, no conflicts (2 of 4 stars). 3 submissions from 3 submitters: Pathogenic (1); Likely pathogenic (2). Last evaluated 2026-06-03.

Conditions:
LMNA-related disorder. Also called: LMNA-related condition; LMNA-related disease; LMNA-related disorders. Identifiers: MedGen CN380145.
Cardiovascular phenotype. Identifiers: MedGen CN230736.

Submissions (3):

Ambry Genetics
Classification: Likely pathogenic for Cardiovascular phenotype. Last evaluated: 2026-06-03. Review status: criteria provided, single submitter. Criteria: Ambry Variant Classification Scheme 2023. Collection method: clinical testing. Allele origin: germline.
Comment: The c.1608+2T>C intronic variant results from a T to C substitution two nucleotides after coding exon 9 in the LMNA gene. Variants that disrupt the canonical splice site are expected to result in aberrant splicing. In silico splice site analysis predicts that this alteration will weaken the native splice donor site and will result in the creation or strengthening of a novel splice donor site. A resulting transcript is predicted to be in-frame and is not expected to trigger nonsense-mediated mRNAdecay; although, direct evidence is unavailable. However, the region predicted to be impacted is critical for protein function (Ambry internal data). This variant was reported in individual(s) with features consistent with LMNA-related laminopathy, including dilated cardiomyopathy, cardiac conduction disease, and muscle weakness (Zaganas I et al. Mol Genet Metab Rep, 2020 Dec;25:100682; Ambry internal data). This variant is considered to be rare based on population cohorts in the Genome Aggregation Database (gnomAD). This nucleotide position is highly conserved in available vertebrate species. Based on the majority of available evidence to date, this variant is likely to be pathogenic

GeneDx
Classification: Likely pathogenic. Last evaluated: 2026-01-26. Review status: criteria provided, single submitter. Criteria: GeneDx Variant Classification Process June 2021. Collection method: clinical testing. Allele origin: germline.
Comment: Not observed at significant frequency in large population cohorts (gnomAD); Canonical splice site variant predicted to result in an in-frame loss of the adjacent exon in a gene for which loss of function is a known mechanism of disease; This variant is associated with the following publications: (PMID: 33304817, 10939567)

PreventionGenetics, part of Exact Sciences
Classification: Pathogenic for LMNA-related condition. Last evaluated: 2025-03-02. Review status: criteria provided, single submitter. Criteria: ACMG Guidelines, 2015. Collection method: clinical testing. Allele origin: germline.
Comment: The LMNA c.1608+2T>C variant is predicted to disrupt the GT donor site and interfere with normal splicing. This variant has been reported in an individual with autosomal dominant Emery-Dreifuss muscular dystrophy 2 (Zaganas et al. 2020. PubMed ID: 33304817). This variant has not been reported in a large population database (gnomAD), indicating this variant is rare. Variants that disrupt the consensus splice donor site in LMNA are expected to be pathogenic. This variant is interpreted as pathogenic.

Literature cited by the submitters: PubMed 33304817 (cited by Ambry Genetics).